The following is an entry in ClinVar:

NM_001365999.1(SZT2):c.4235G>A (p.Gly1412Glu)

Gene: SZT2 (SZT2 subunit of KICSTOR complex; plus strand). Cytogenetic location: 1p34.2.
Variant type: single nucleotide variant.
Coding change: c.4235G>A on transcript NM_001365999.1 (MANE Select); coding-DNA position 4235, G replaced by A.
Protein change: p.Gly1412Glu; replaces glycine 1412 with glutamic acid.
Molecular consequence: missense variant.
Genome position (GRCh38, 1-based): chr1:43,429,771, G>A. VCF-style: chr1-43429771-G-A. GRCh37 (hg19) VCF-style: chr1-43895442-G-A.
Other names: c.4064G>A, p.Gly1355Glu (NM_015284.4); short protein forms G1355E, G1412E.
Identifiers: ClinVar variation 2158022 (VCV002158022.4), dbSNP rs1653634901, ClinGen allele CA340020551.

ClinVar aggregate classification (germline): Uncertain significance (1 of 4 stars; one submission).

Allele frequency attached by ClinVar (database versions not stated): gnomAD exomes 0.00001.
gnomAD v4.1: 10 of 1,614,162 alleles (0.00062%); highest among the groups gnomAD compares: Non-Finnish European, 0.00076%; no homozygotes.

Submission:

Labcorp Genetics (formerly Invitae), Labcorp
Classification: Uncertain significance. Last evaluated: 2025-05-14. Review status: criteria provided, single submitter. Criteria: Invitae Variant Classification Sherloc (09022015). Collection method: clinical testing. Allele origin: germline.
Comment: This sequence change replaces glycine, which is neutral and non-polar, with glutamic acid, which is acidic and polar, at codon 1355 of the SZT2 protein (p.Gly1355Glu). This variant is not present in population databases (gnomAD no frequency). This variant has not been reported in the literature in individuals affected with SZT2-related conditions. ClinVar contains an entry for this variant (Variation ID: 2158022). Invitae Evidence Modeling of protein sequence and biophysical properties (such as structural, functional, and spatial information, amino acid conservation, physicochemical variation, residue mobility, and thermodynamic stability) indicates that this missense variant is not expected to disrupt SZT2 protein function with a negative predictive value of 80%. In summary, the available evidence is currently insufficient to determine the role of this variant in disease. Therefore, it has been classified as a Variant of Uncertain Significance.